The following is an entry in ClinVar:

NM_000359.3(TGM1):c.999_1008del (p.Asp333fs)

Gene: TGM1 (transglutaminase 1; minus strand). Cytogenetic location: 14q12.
Variant type: Deletion.
Coding change: c.999_1008del on transcript NM_000359.3 (MANE Select); coding-DNA positions 999 to 1008, 10 bases deleted (TGACAATGGA; older notation c.999_1008delTGACAATGGA).
Protein change: p.Asp333fs; shifts the reading frame from aspartic acid 333.
Molecular consequence: frameshift variant.
Genome position (GRCh38, 1-based): chr14:24,259,226-24,259,235, TCCATTGTCA deleted on the plus strand (TGACAATGGA on the coding strand, the reverse complement: TGM1 is on the minus strand); deleting any 10 consecutive bases within chr14:24,259,226-24,259,239 gives the same sequence; the c. name uses the placement nearest the transcript's 3' end. VCF-style (leftmost placement, unchanged base first): chr14-24259225-CTCCATTGTCA-C. GRCh37 (hg19) VCF-style: chr14-24728431-CTCCATTGTCA-C.
Other names: short protein forms D333fs.
Identifiers: ClinVar variation 2124147 (VCV002124147.5), dbSNP rs2502501969, ClinGen allele CA2580087981.
Genomic context (GRCh38, chr14:24,259,225, plus strand): 5'-CCACCCACGCTGATGGGTTGGTGCCTCGGGAGTAATCACCAGACCAGTTCCCAATCAGGA[CTCCATTGTCA>C]TCCAGGGAGTTCACCTGCCCAGGACAGGATGAGATAGGGCGGAGGTGGAGGAGGGGCTCA-3'

ClinVar aggregate classification (germline): Pathogenic/Likely pathogenic. Review status: criteria provided, multiple submitters, no conflicts (2 of 4 stars). 2 submissions from 2 submitters: Pathogenic (1); Likely pathogenic (1). Last evaluated 2024-03-07.

Conditions:
Autosomal recessive congenital ichthyosis 1 (LI1). Also called: DESQUAMATION OF NEWBORN; ICHTHYOSIS, CONGENITAL, AUTOSOMAL RECESSIVE 1, WITH BATHING SUIT DISTRIBUTION; ICHTHYOSIS, CONGENITAL, AUTOSOMAL RECESSIVE 1, WITH OR WITHOUT BATHING SUIT DISTRIBUTION; ICHTHYOSIS CONGENITA; ICHTHYOSIS CONGENITA II; LAMELLAR EXFOLIATION OF NEWBORN. Identifiers: MedGen C4551630, MONDO:0009441, OMIM 242300.

Submissions (2):

Baylor Genetics
Classification: Likely pathogenic for Autosomal recessive congenital ichthyosis 1. Last evaluated: 2024-03-07. Review status: criteria provided, single submitter. Criteria: ACMG Guidelines, 2015. Collection method: clinical testing. Allele origin: unknown.

Labcorp Genetics (formerly Invitae), Labcorp
Classification: Pathogenic. Last evaluated: 2022-04-10. Review status: criteria provided, single submitter. Criteria: Invitae Variant Classification Sherloc (09022015). Collection method: clinical testing. Allele origin: germline.
Comment: For these reasons, this variant has been classified as Pathogenic. This variant has not been reported in the literature in individuals affected with TGM1-related conditions. This variant is not present in population databases (gnomAD no frequency). This sequence change creates a premature translational stop signal (p.Asp333Glufs*3) in the TGM1 gene. It is expected to result in an absent or disrupted protein product. Loss-of-function variants in TGM1 are known to be pathogenic (PMID: 18948357, 19241467).

Literature cited by the submitters: PubMed 18948357 (cited by Labcorp Genetics (formerly Invitae), Labcorp); PubMed 19241467 (cited by Labcorp Genetics (formerly Invitae), Labcorp).